The following is an entry in ClinVar:

NM_001206927.2(DNAH8):c.10309-1G>A

Genes: DNAH8 (dynein axonemal heavy chain 8; plus strand), DNAH8-AS1 (DNAH8 antisense RNA 1; minus strand). Cytogenetic location: 6p21.2.
Variant type: single nucleotide variant.
Coding change: c.10309-1G>A on transcript NM_001206927.2 (MANE Select); the canonical splice acceptor site of the intron before coding-DNA position 10309, G replaced by A.
Molecular consequence: splice acceptor variant.
Genome position (GRCh38, 1-based): chr6:38,917,924, G>A. VCF-style: chr6-38917924-G-A. GRCh37 (hg19) VCF-style: chr6-38885700-G-A.
Other names: c.9658-1G>A (NM_001371.4).
Identifiers: ClinVar variation 2027923 (VCV002027923.4), dbSNP rs201009563, ClinGen allele CA137579827.

ClinVar aggregate classification (germline): Likely pathogenic (1 of 4 stars; one submission).

Conditions:
Primary ciliary dyskinesia. Also called: Ciliary dyskinesia. Identifiers: Orphanet 244, MedGen C0008780, MONDO:0016575, HP:0012265.

Allele frequency attached by ClinVar (database versions not stated): gnomAD 0.00001; gnomAD exomes 0.00001; 1000 Genomes Project 30x 0.00016; 1000 Genomes Project 0.00020.
gnomAD v4.1: 7 of 1,604,568 alleles (0.00044%); highest among the groups gnomAD compares: Admixed American, 0.0017%; no homozygotes.

Submission:

Labcorp Genetics (formerly Invitae), Labcorp
Classification: Likely pathogenic for Primary ciliary dyskinesia. Last evaluated: 2025-06-12. Review status: criteria provided, single submitter. Criteria: Invitae Variant Classification Sherloc (09022015). Collection method: clinical testing. Allele origin: germline.
Comment: This sequence change affects an acceptor splice site in intron 69 of the DNAH8 gene. It is expected to disrupt RNA splicing. Variants that disrupt the donor or acceptor splice site typically lead to a loss of protein function (PMID: 16199547), and loss-of-function variants in DNAH8 are known to be pathogenic (PMID: 24307375, 32619401, 32681648). The frequency data for this variant in the population databases is considered unreliable, as metrics indicate poor data quality at this position in the gnomAD database. This variant has not been reported in the literature in individuals affected with DNAH8-related conditions. ClinVar contains an entry for this variant (Variation ID: 2027923). Algorithms developed to predict the effect of sequence changes on RNA splicing suggest that this variant may disrupt the consensus splice site. In summary, the currently available evidence indicates that the variant is pathogenic, but additional data are needed to prove that conclusively. Therefore, this variant has been classified as Likely Pathogenic.

Literature cited by the submitters: PubMed 16199547; PubMed 24307375; PubMed 32619401; PubMed 32681648.